The following is an entry in ClinVar:

ClinVar aggregate classification (germline): Likely benign. Review status: criteria provided, multiple submitters, no conflicts (2 of 4 stars). 4 submissions from 4 submitters: Likely benign (3). 1 of the submissions does not count toward it. Last evaluated 2025-12-28.

Conditions:
Hereditary cancer-predisposing syndrome. Also called: Neoplastic Syndromes, Hereditary; Tumor predisposition; Hereditary Cancer Syndrome; Hereditary neoplastic syndrome. Identifiers: Orphanet 140162, MedGen C0027672, MeSH D009386, MONDO:0015356.
POLE-related disorder. Also called: POLE-related disorders; POLE-related condition.

Allele frequency attached by ClinVar (database versions not stated): gnomAD 0.00001 and 0.00002; gnomAD exomes 0.00001 and 0.00002; TOPMed 0.00002; ExAC 0.00003.
gnomAD v4.1: 25 of 1,612,382 alleles (0.0016%); highest among the groups gnomAD compares: Admixed American, 0.0033%; no homozygotes.

Submissions (4):

Labcorp Genetics (formerly Invitae), Labcorp
Classification: Likely benign. Last evaluated: 2025-12-28. Review status: criteria provided, single submitter. Criteria: Invitae Variant Classification Sherloc (09022015). Collection method: clinical testing. Allele origin: germline.

GeneDx
Classification: Likely benign. Last evaluated: 2017-11-08. Review status: criteria provided, single submitter. Criteria: GeneDx Variant Classification (06012015). Collection method: clinical testing. Allele origin: germline. Affected: yes.
Comment: This variant is considered likely benign or benign based on one or more of the following criteria: it is a conservative change, it occurs at a poorly conserved position in the protein, it is predicted to be benign by multiple in silico algorithms, and/or has population frequency not consistent with disease.

Ambry Genetics
Classification: Likely benign for Hereditary cancer-predisposing syndrome. Last evaluated: 2016-06-29. Review status: criteria provided, single submitter. Criteria: Ambry Variant Classification Scheme 2023. Collection method: clinical testing. Allele origin: germline.

PreventionGenetics, part of Exact Sciences
Classification: Likely benign for POLE-related condition. Last evaluated: 2022-05-02. Review status: no assertion criteria provided. Collection method: clinical testing. Allele origin: germline. Not counted in ClinVar's aggregate classification.
Comment: This variant is classified as likely benign based on ACMG/AMP sequence variant interpretation guidelines (Richards et al. 2015 PMID: 25741868, with internal and published modifications).

NM_006231.4(POLE):c.3861C>T (p.Leu1287=)

Gene: POLE (DNA polymerase epsilon, catalytic subunit; minus strand). Cytogenetic location: 12q24.33.
Variant type: single nucleotide variant.
Coding change: c.3861C>T on transcript NM_006231.4 (MANE Select); coding-DNA position 3861, C replaced by T.
Protein change: p.Leu1287=; no amino-acid change (leucine 1287 retained).
Molecular consequence: synonymous variant.
Genome position (GRCh38, 1-based): chr12:132,649,450, G>A on the plus strand (C>T on the coding strand, the complement: POLE is on the minus strand). VCF-style: chr12-132649450-G-A. GRCh37 (hg19) VCF-style: chr12-133226036-G-A.
Identifiers: ClinVar variation 473623 (VCV000473623.18), dbSNP rs761684406, ClinGen allele CA6893071.